The following is an entry in ClinVar:

ClinVar aggregate classification (germline): Uncertain significance. Review status: criteria provided, multiple submitters, no conflicts (2 of 4 stars). 2 submissions from 2 submitters: Uncertain significance (2). Last evaluated 2024-06-15.

Conditions:
Arrhythmogenic right ventricular dysplasia 11. Also called: Arrhythmogenic right ventricular dysplasia 11 with mild palmoplantar keratoderma and woolly hair; Arrhythmogenic Right Ventricular Dysplasia/Cardiomyopathy11; ARRHYTHMOGENIC RIGHT VENTRICULAR DYSPLASIA, FAMILIAL, 11. Identifiers: MedGen C1864850, MONDO:0012506, OMIM 610476.
Cardiovascular phenotype. Identifiers: MedGen CN230736.

gnomAD v4.1: 3 of 1,613,808 alleles (0.00019%); highest among the groups gnomAD compares: Non-Finnish European, 0.00017%; no homozygotes.

Submissions (2):

Labcorp Genetics (formerly Invitae), Labcorp
Classification: Uncertain significance for Arrhythmogenic right ventricular dysplasia 11. Last evaluated: 2024-06-15. Review status: criteria provided, single submitter. Criteria: Invitae Variant Classification Sherloc (09022015). Collection method: clinical testing. Allele origin: germline.
Comment: This sequence change replaces glutamine, which is neutral and polar, with histidine, which is basic and polar, at codon 72 of the DSC2 protein (p.Gln72His). This variant is present in population databases (rs767293228, gnomAD 0.0009%). This variant has not been reported in the literature in individuals affected with DSC2-related conditions. ClinVar contains an entry for this variant (Variation ID: 1469110). Advanced modeling of protein sequence and biophysical properties (such as structural, functional, and spatial information, amino acid conservation, physicochemical variation, residue mobility, and thermodynamic stability) performed at Invitae indicates that this missense variant is not expected to disrupt DSC2 protein function with a negative predictive value of 80%. In summary, the available evidence is currently insufficient to determine the role of this variant in disease. Therefore, it has been classified as a Variant of Uncertain Significance.

Ambry Genetics
Classification: Uncertain significance for Cardiovascular phenotype. Last evaluated: 2022-02-20. Review status: criteria provided, single submitter. Criteria: Ambry Variant Classification Scheme 2023. Collection method: clinical testing. Allele origin: germline.
Comment: The p.Q72H variant (also known as c.216A>C), located in coding exon 3 of the DSC2 gene, results from an A to C substitution at nucleotide position 216. The glutamine at codon 72 is replaced by histidine, an amino acid with highly similar properties. This amino acid position is not well conserved in available vertebrate species, and histidine is the reference amino acid in other vertebrate species. In addition, this alteration is predicted to be tolerated by in silico analysis. Since supporting evidence is limited at this time, the clinical significance of this alteration remains unclear.

NM_024422.6(DSC2):c.216A>C (p.Gln72His)

Gene: DSC2 (desmocollin 2; minus strand). Cytogenetic location: 18q12.1.
Variant type: single nucleotide variant.
Coding change: c.216A>C on transcript NM_024422.6 (MANE Select); coding-DNA position 216, A replaced by C.
Protein change: p.Gln72His; replaces glutamine 72 with histidine.
Molecular consequence: missense variant.
Genome position (GRCh38, 1-based): chr18:31,092,239, T>G on the plus strand (A>C on the coding strand, the complement: DSC2 is on the minus strand). VCF-style: chr18-31092239-T-G. GRCh37 (hg19) VCF-style: chr18-28672202-T-G.
Other names: c.216A>C, p.Gln72His (NM_004949.5); short protein forms Q72H.
Identifiers: ClinVar variation 1469110 (VCV001469110.8), dbSNP rs767293228, ClinGen allele CA035235.